The following is an entry in ClinVar:

NM_018943.3(TUBA8):c.1279G>T (p.Ala427Ser)

Gene: TUBA8 (tubulin alpha 8; plus strand). Cytogenetic location: 22q11.21.
Variant type: single nucleotide variant.
Coding change: c.1279G>T on transcript NM_018943.3 (MANE Select); coding-DNA position 1279, G replaced by T.
Protein change: p.Ala427Ser; replaces alanine 427 with serine.
Molecular consequence: missense variant.
Genome position (GRCh38, 1-based): chr22:18,131,065, G>T. VCF-style: chr22-18131065-G-T. GRCh37 (hg19) VCF-style: chr22-18613832-G-T.
Other names: c.1081G>T, p.Ala361Ser (NM_001193414.2); short protein forms A361S, A427S.
Identifiers: ClinVar variation 2890613 (VCV002890613.3), dbSNP rs777929824, ClinGen allele CA10093876.

ClinVar aggregate classification (germline): Uncertain significance (1 of 4 stars; one submission).

Allele frequency attached by ClinVar (database versions not stated): ExAC 0.00001; gnomAD 0.00002; TOPMed 0.00002.

Submission:

Labcorp Genetics (formerly Invitae), Labcorp
Classification: Uncertain significance. Last evaluated: 2023-10-18. Review status: criteria provided, single submitter. Criteria: Invitae Variant Classification Sherloc (09022015). Collection method: clinical testing. Allele origin: germline.
Comment: This sequence change replaces alanine, which is neutral and non-polar, with serine, which is neutral and polar, at codon 427 of the TUBA8 protein (p.Ala427Ser). This variant is present in population databases (rs777929824, gnomAD 0.002%). This variant has not been reported in the literature in individuals affected with TUBA8-related conditions. Advanced modeling of protein sequence and biophysical properties (such as structural, functional, and spatial information, amino acid conservation, physicochemical variation, residue mobility, and thermodynamic stability) has been performed at Invitae for this missense variant, however the output from this modeling did not meet the statistical confidence thresholds required to predict the impact of this variant on TUBA8 protein function. In summary, the available evidence is currently insufficient to determine the role of this variant in disease. Therefore, it has been classified as a Variant of Uncertain Significance.